The following is an entry in ClinVar:

NM_145290.4(ADGRA3):c.888_890del (p.Lys296del)

Gene: ADGRA3 (adhesion G protein-coupled receptor A3; minus strand). Cytogenetic location: 4p15.2.
Variant type: Deletion.
Coding change: c.888_890del on transcript NM_145290.4 (MANE Select); coding-DNA positions 888 to 890, 3 bases deleted (GAA; older notation c.888_890delGAA).
Protein change: p.Lys296del; deletes lysine 296.
Molecular consequence: inframe deletion.
Genome position (GRCh38, 1-based): chr4:22,442,680-22,442,682, TTC deleted on the plus strand (GAA on the coding strand, the reverse complement: ADGRA3 is on the minus strand); deleting any 3 consecutive bases within chr4:22,442,680-22,442,684 gives the same sequence; the c. name uses the placement nearest the transcript's 3' end. VCF-style (leftmost placement, unchanged base first): chr4-22442679-GTTC-G. GRCh37 (hg19) VCF-style: chr4-22444302-GTTC-G.
Other names: short protein forms K296del.
Identifiers: ClinVar variation 1484091 (VCV001484091.6), dbSNP rs1716664873, ClinGen allele CA438895331.
Genomic context (GRCh38, chr4:22,442,679, plus strand): 5'-TTCTTCATTCAAAAAAAAAAAAAAAGTTTACCTTGCAATCAAGGAGCAGTTGTGAATCAT[GTTC>G]TTTTCAACAAAAATACCTTGCGATTCATCGGTTTCAACTATTCTCCCATCCTGATACCAC-3'

ClinVar aggregate classification (germline): Uncertain significance (1 of 4 stars; one submission).

Submission:

Labcorp Genetics (formerly Invitae), Labcorp
Classification: Uncertain significance. Last evaluated: 2025-10-13. Review status: criteria provided, single submitter. Criteria: Invitae Variant Classification Sherloc (09022015). Collection method: clinical testing. Allele origin: germline.
Comment: This variant, c.888_890del, results in the deletion of 1 amino acid(s) of the ADGRA3 protein (p.Lys296del), but otherwise preserves the integrity of the reading frame. This variant is not present in population databases (gnomAD no frequency). This variant has not been reported in the literature in individuals affected with ADGRA3-related conditions. ClinVar contains an entry for this variant (Variation ID: 1484091). Experimental studies and prediction algorithms are not available or were not evaluated, and the functional significance of this variant is currently unknown. In summary, the available evidence is currently insufficient to determine the role of this variant in disease. Therefore, it has been classified as a Variant of Uncertain Significance.